The following is an entry in ClinVar:

NM_032119.4(ADGRV1):c.17051G>C (p.Ser5684Thr)

Gene: ADGRV1 (adhesion G protein-coupled receptor V1; plus strand). Cytogenetic location: 5q14.3.
Variant type: single nucleotide variant.
Coding change: c.17051G>C on transcript NM_032119.4 (MANE Select); coding-DNA position 17051, G replaced by C.
Protein change: p.Ser5684Thr; replaces serine 5684 with threonine.
Molecular consequence: missense variant. On other transcripts: non-coding transcript variant (1).
Genome position (GRCh38, 1-based): chr5:90,848,668, G>C. VCF-style: chr5-90848668-G-C. GRCh37 (hg19) VCF-style: chr5-90144485-G-C.
Other names: short protein forms S5684T.
Identifiers: ClinVar variation 942318 (VCV000942318.8), dbSNP rs912347302, ClinGen allele CA122808362.

ClinVar aggregate classification (germline): Uncertain significance. Review status: criteria provided, multiple submitters, no conflicts (2 of 4 stars). 2 submissions from 2 submitters: Uncertain significance (2). Last evaluated 2024-10-09.

gnomAD v4.1: 2 of 1,547,102 alleles (0.00013%); highest among the groups gnomAD compares: Admixed American, 0.0021%; no homozygotes.

Submissions (2):

GeneDx
Classification: Uncertain significance. Last evaluated: 2024-10-09. Review status: criteria provided, single submitter. Criteria: GeneDx Variant Classification Process June 2021. Collection method: clinical testing. Allele origin: germline. Affected: yes.
Comment: Not observed at significant frequency in large population cohorts (gnomAD); In silico analysis indicates that this missense variant does not alter protein structure/function; Has not been previously published as pathogenic or benign to our knowledge

Labcorp Genetics (formerly Invitae), Labcorp
Classification: Uncertain significance. Last evaluated: 2021-08-27. Review status: criteria provided, single submitter. Criteria: Invitae Variant Classification Sherloc (09022015). Collection method: clinical testing. Allele origin: germline.
Comment: This sequence change replaces serine with threonine at codon 5684 of the ADGRV1 protein (p.Ser5684Thr). The serine residue is moderately conserved and there is a small physicochemical difference between serine and threonine. This variant is not present in population databases (ExAC no frequency). This variant has not been reported in the literature in individuals affected with ADGRV1-related conditions. Algorithms developed to predict the effect of missense changes on protein structure and function are either unavailable or do not agree on the potential impact of this missense change (SIFT: "Tolerated"; PolyPhen-2: "Possibly Damaging"; Align-GVGD: "Class C0"). In summary, the available evidence is currently insufficient to determine the role of this variant in disease. Therefore, it has been classified as a Variant of Uncertain Significance.